The following is an entry in ClinVar:

ClinVar aggregate classification (germline): Pathogenic (1 of 4 stars; one submission).

Submission:

Quest Diagnostics Nichols Institute San Juan Capistrano
Classification: Pathogenic. Last evaluated: 2021-07-14. Review status: criteria provided, single submitter. Criteria: ACMG/ClinGen CNV Guidelines, 2019. Collection method: clinical testing. Allele origin: unknown.
Comment: This terminal deletion is consistent with a clinical diagnosis of the 13q deletion syndrome, characterized by congenital heart defects along with varied phenotypic abnormalities including intellectual disability, distinct facial features, congenital heart defects, holoprosencephaly, cerebellar vermis hypoplasia and microcephaly (Walczak-Sztulpa et al., Am J Med Genet A. 2008 Feb 1;146A(3):337-42.PMID: 18203171; Huang et al., Gene. 2012 May 1;498(2):308-10. PMID:22366306; Mimaki et al., Brain Dev. 2015 Aug;37(7):714-8. PMID:25454392; Reinstein et al., Mol Genet Metab. 2016 May;118(1):60-3.PMID: 27067448). There are two genes within this deletion that are associated with dominant disorders: Truncating variants in CHAMP1 are associated with autosomal dominant Intellectual disability-40 (OMIM 616579; Tanaka et al., Cold Spring Harb Mol Case Stud. 2016Jan;2(1):a000661. PMID: 27148580), and deletions as well as pathogenic sequence variants in ZIC2 are associated with autosomal dominant holoprosencephaly-5 (OMIM 609637; Ramocki et al., Am J MedGenet A. 2011 Jul;155A(7):1574-80. PMID: 21638761; Solomon et al., JMed Genet. 2010 Aug;47(8):513-24. PMID: 19955556).

GRCh37/hg19 13q32.1-34(chr13:97142120-115107733)x1

Genes: ABHD13 (abhydrolase domain containing 13; plus strand), ADPRHL1 (ADP-ribosylhydrolase like 1; minus strand), ANKRD10 (ankyrin repeat domain 10; minus strand), ANKRD10-IT1 (ANKRD10 intronic transcript 1), ARGLU1 (arginine and glutamate rich 1; minus strand) and 73 more. Cytogenetic location: 13q32.1-34.
Variant type: copy number loss.
Change: copy number 1 (one copy instead of two) of chr13:97,142,120-115,107,733 (17.97 Mb, GRCh37 coordinates, 1-based), cytogenetic band 13q32.1-34.
Identifiers: ClinVar variation 1808983 (VCV001808983.1).